The following is an entry in ClinVar:

NM_003120.3(SPI1):c.494-7C>T

Gene: SPI1 (Spi-1 proto-oncogene; minus strand). Cytogenetic location: 11p11.2.
Variant type: single nucleotide variant.
Coding change: c.494-7C>T on transcript NM_003120.3 (MANE Select); 7 bases into the intron before coding-DNA position 494, C replaced by T.
Molecular consequence: intron variant.
Genome position (GRCh38, 1-based): chr11:47,355,553, G>A on the plus strand (C>T on the coding strand, the complement: SPI1 is on the minus strand). VCF-style: chr11-47355553-G-A. GRCh37 (hg19) VCF-style: chr11-47377104-G-A.
Other names: c.497-7C>T (NM_001080547.2).
Identifiers: ClinVar variation 3388708 (VCV003388708.14).

ClinVar aggregate classification (germline): Likely benign (1 of 4 stars; one submission).

gnomAD v4.1: 687 of 1,564,250 alleles (0.044%); highest among the groups gnomAD compares: South Asian, 0.18%; no homozygotes.

Submission:

CeGaT Center for Human Genetics Tuebingen
Classification: Likely benign. Last evaluated: 2024-10-01. Review status: criteria provided, single submitter. Criteria: CeGaT Center For Human Genetics Tuebingen Variant Classification Criteria Version 2. Collection method: clinical testing. Allele origin: germline. Affected: yes. Observed: 1 variant allele.
Comment: SPI1: BP4